The following is an entry in ClinVar:

ClinVar aggregate classification (germline): Likely benign. Review status: criteria provided, multiple submitters, no conflicts (2 of 4 stars). 2 submissions from 2 submitters: Likely benign (2). Last evaluated 2024-01-08.

Conditions:
LAMA2-related muscular dystrophy (LAMA2-RD). Also called: Laminin alpha 2-related dystrophy. Identifiers: MedGen C5679788, MONDO:0100228.

Submissions (2):

Labcorp Genetics (formerly Invitae), Labcorp
Classification: Likely benign for LAMA2-related muscular dystrophy. Last evaluated: 2024-01-08. Review status: criteria provided, single submitter. Criteria: Invitae Variant Classification Sherloc (09022015). Collection method: clinical testing. Allele origin: germline.

CeGaT Center for Human Genetics Tuebingen
Classification: Likely benign. Last evaluated: 2022-06-01. Review status: criteria provided, single submitter. Criteria: CeGaT Center For Human Genetics Tuebingen Variant Classification Criteria Version 2. Collection method: clinical testing. Allele origin: germline. Affected: yes. Observed: 1 variant allele.
Comment: LAMA2: PM2:Supporting, BP4, BP7

NM_000426.4(LAMA2):c.8673C>A (p.Pro2891=)

Gene: LAMA2 (laminin subunit alpha 2; plus strand). Cytogenetic location: 6q22.33.
Variant type: single nucleotide variant.
Coding change: c.8673C>A on transcript NM_000426.4 (MANE Select); coding-DNA position 8673, C replaced by A.
Protein change: p.Pro2891=; no amino-acid change (proline 2891 retained).
Molecular consequence: synonymous variant.
Genome position (GRCh38, 1-based): chr6:129,505,325, C>A. VCF-style: chr6-129505325-C-A. GRCh37 (hg19) VCF-style: chr6-129826470-C-A.
Other names: c.8661C>A, p.Pro2887= (NM_001079823.2).
Identifiers: ClinVar variation 2656907 (VCV002656907.27), dbSNP rs2114901082, ClinGen allele CA451935820.